The following is an entry in ClinVar:

ClinVar aggregate classification (germline): Uncertain significance (1 of 4 stars; one submission).

Conditions:
Kabuki syndrome. Also called: NIIKAWA-KUROKI SYNDROME; Kabuki make-up syndrome. Identifiers: Orphanet 2322, MedGen C0796004, MONDO:0016512.

Allele frequency attached by ClinVar (database versions not stated): gnomAD exomes below 0.00001.
gnomAD v4.1: 1 of 1,613,062 alleles (0.000062%); highest among the groups gnomAD compares: South Asian, 0.0011%; no homozygotes.

Submission:

Labcorp Genetics (formerly Invitae), Labcorp
Classification: Uncertain significance for Kabuki syndrome. Last evaluated: 2022-12-02. Review status: criteria provided, single submitter. Criteria: Invitae Variant Classification Sherloc (09022015). Collection method: clinical testing. Allele origin: germline.
Comment: Advanced modeling of protein sequence and biophysical properties (such as structural, functional, and spatial information, amino acid conservation, physicochemical variation, residue mobility, and thermodynamic stability) performed at Invitae indicates that this missense variant is not expected to disrupt KMT2D protein function. In summary, the available evidence is currently insufficient to determine the role of this variant in disease. Therefore, it has been classified as a Variant of Uncertain Significance. This sequence change replaces glutamine, which is neutral and polar, with arginine, which is basic and polar, at codon 2902 of the KMT2D protein (p.Gln2902Arg). This variant is not present in population databases (gnomAD no frequency). This variant has not been reported in the literature in individuals affected with KMT2D-related conditions.

NM_003482.4(KMT2D):c.8705A>G (p.Gln2902Arg)

Gene: KMT2D (lysine methyltransferase 2D; minus strand). Cytogenetic location: 12q13.12.
Variant type: single nucleotide variant.
Coding change: c.8705A>G on transcript NM_003482.4 (MANE Select); coding-DNA position 8705, A replaced by G.
Protein change: p.Gln2902Arg; replaces glutamine 2902 with arginine.
Molecular consequence: missense variant.
Genome position (GRCh38, 1-based): chr12:49,038,651, T>C on the plus strand (A>G on the coding strand, the complement: KMT2D is on the minus strand). VCF-style: chr12-49038651-T-C. GRCh37 (hg19) VCF-style: chr12-49432434-T-C.
Other names: short protein forms Q2902R.
Identifiers: ClinVar variation 1008735 (VCV001008735.8), dbSNP rs1943340512, ClinGen allele CA384741118.